The following is an entry in ClinVar:

NM_001206927.2(DNAH8):c.2290G>A (p.Gly764Ser)

Gene: DNAH8 (dynein axonemal heavy chain 8; plus strand). Cytogenetic location: 6p21.2.
Variant type: single nucleotide variant.
Coding change: c.2290G>A on transcript NM_001206927.2 (MANE Select); coding-DNA position 2290, G replaced by A.
Protein change: p.Gly764Ser; replaces glycine 764 with serine.
Molecular consequence: missense variant.
Genome position (GRCh38, 1-based): chr6:38,783,034, G>A. VCF-style: chr6-38783034-G-A. GRCh37 (hg19) VCF-style: chr6-38750810-G-A.
Other names: c.1639G>A, p.Gly547Ser (NM_001371.4); short protein forms G764S, G547S.
Identifiers: ClinVar variation 847032 (VCV000847032.7), dbSNP rs199536824, ClinGen allele CA3788481.
Genomic context (GRCh38, chr6:38,783,034, plus strand): 5'-TAAAGTAAATCTTTTCCCTTAAAAAAACAGAAAAACTCAGACATTTTATCAAGTCCGGAC[G>A]GTAAAGCTGTCATCCGTCAGTATAACAAGATCTCCTATGTGCTGGTGGAATTCGAGGTGG-3'
Protein context (NP_001193856.1, residues 754-774): KNSDILSSPD[Gly764Ser]KAVIRQYNKI

ClinVar aggregate classification (germline): Uncertain significance (1 of 4 stars; one submission).

Conditions:
Primary ciliary dyskinesia. Also called: Ciliary dyskinesia. Identifiers: Orphanet 244, MedGen C0008780, MONDO:0016575, HP:0012265.

Allele frequency attached by ClinVar (database versions not stated): gnomAD exomes 0.00002 and 0.00008; TOPMed 0.00003; gnomAD 0.00004 and 0.00005; ESP Exome Variant Server 0.00008; ExAC 0.00009; 1000 Genomes Project 0.00060; 1000 Genomes Project 30x 0.00062.
gnomAD v4.1: 43 of 1,613,700 alleles (0.0027%); highest among the groups gnomAD compares: East Asian, 0.02%; no homozygotes.

Submission:

Labcorp Genetics (formerly Invitae), Labcorp
Classification: Uncertain significance for Primary ciliary dyskinesia. Last evaluated: 2022-07-04. Review status: criteria provided, single submitter. Criteria: Invitae Variant Classification Sherloc (09022015). Collection method: clinical testing. Allele origin: germline.
Comment: This sequence change replaces glycine, which is neutral and non-polar, with serine, which is neutral and polar, at codon 764 of the DNAH8 protein (p.Gly764Ser). This variant is present in population databases (rs199536824, gnomAD 0.07%). This variant has not been reported in the literature in individuals affected with DNAH8-related conditions. ClinVar contains an entry for this variant (Variation ID: 847032). Algorithms developed to predict the effect of missense changes on protein structure and function are either unavailable or do not agree on the potential impact of this missense change (SIFT: "Deleterious"; PolyPhen-2: "Not Available"; Align-GVGD: "Class C0"). In summary, the available evidence is currently insufficient to determine the role of this variant in disease. Therefore, it has been classified as a Variant of Uncertain Significance.